The following is an entry in ClinVar:

NM_001852.4(COL9A2):c.1569G>C (p.Gln523His)

Gene: COL9A2 (collagen type IX alpha 2 chain; minus strand). Cytogenetic location: 1p34.2.
Variant type: single nucleotide variant.
Coding change: c.1569G>C on transcript NM_001852.4 (MANE Select); coding-DNA position 1569, G replaced by C.
Protein change: p.Gln523His; replaces glutamine 523 with histidine.
Molecular consequence: missense variant.
Genome position (GRCh38, 1-based): chr1:40,303,165, C>G on the plus strand (G>C on the coding strand, the complement: COL9A2 is on the minus strand). VCF-style: chr1-40303165-C-G. GRCh37 (hg19) VCF-style: chr1-40768837-C-G.
Other names: short protein forms Q523H.
Identifiers: ClinVar variation 1305906 (VCV001305906.6), dbSNP rs769009288, ClinGen allele CA791389.

ClinVar aggregate classification (germline): Uncertain significance. Review status: criteria provided, multiple submitters, no conflicts (2 of 4 stars). 2 submissions from 2 submitters: Uncertain significance (2). Last evaluated 2021-12-22.

Allele frequency attached by ClinVar (database versions not stated): gnomAD 0.00001; TOPMed 0.00001.
gnomAD v4.1: 9 of 1,612,358 alleles (0.00056%); highest among the groups gnomAD compares: Non-Finnish European, 0.00076%; no homozygotes.

Submissions (2):

Labcorp Genetics (formerly Invitae), Labcorp
Classification: Uncertain significance. Last evaluated: 2021-12-22. Review status: criteria provided, single submitter. Criteria: Invitae Variant Classification Sherloc (09022015). Collection method: clinical testing. Allele origin: germline.
Comment: This sequence change replaces glutamine, which is neutral and polar, with histidine, which is basic and polar, at codon 523 of the COL9A2 protein (p.Gln523His). In summary, the available evidence is currently insufficient to determine the role of this variant in disease. Therefore, it has been classified as a Variant of Uncertain Significance. Advanced modeling of protein sequence and biophysical properties (such as structural, functional, and spatial information, amino acid conservation, physicochemical variation, residue mobility, and thermodynamic stability) performed at Invitae indicates that this missense variant is not expected to disrupt COL9A2 protein function. ClinVar contains an entry for this variant (Variation ID: 1305906). This variant has not been reported in the literature in individuals affected with COL9A2-related conditions. This variant is present in population databases (rs769009288, gnomAD 0.0009%).

GeneDx
Classification: Uncertain significance. Last evaluated: 2019-05-16. Review status: criteria provided, single submitter. Criteria: GeneDx Variant Classification Process June 2021. Collection method: clinical testing. Allele origin: germline. Affected: yes.
Comment: Has not been previously published as pathogenic or benign to our knowledge; Not observed at a significant frequency in large population cohorts (Lek et al., 2016); In silico analysis, which includes protein predictors and evolutionary conservation, supports a deleterious effect